The following is an entry in ClinVar:

NM_000430.4(PAFAH1B1):c.32T>C (p.Leu11Pro)

Gene: PAFAH1B1 (platelet activating factor acetylhydrolase 1b regulatory subunit 1; plus strand). Cytogenetic location: 17p13.3.
Variant type: single nucleotide variant.
Coding change: c.32T>C on transcript NM_000430.4 (MANE Select); coding-DNA position 32, T replaced by C.
Protein change: p.Leu11Pro; replaces leucine 11 with proline.
Molecular consequence: missense variant.
Genome position (GRCh38, 1-based): chr17:2,638,320, T>C. VCF-style: chr17-2638320-T-C. GRCh37 (hg19) VCF-style: chr17-2541614-T-C.
Other names: short protein forms L11P.
Identifiers: ClinVar variation 3642356 (VCV003642356.2).

ClinVar aggregate classification (germline): Uncertain significance (1 of 4 stars; one submission).

Submission:

Labcorp Genetics (formerly Invitae), Labcorp
Classification: Uncertain significance. Last evaluated: 2024-02-21. Review status: criteria provided, single submitter. Criteria: Invitae Variant Classification Sherloc (09022015). Collection method: clinical testing. Allele origin: germline.
Comment: This sequence change replaces leucine, which is neutral and non-polar, with proline, which is neutral and non-polar, at codon 11 of the PAFAH1B1 protein (p.Leu11Pro). This variant is not present in population databases (gnomAD no frequency). This variant has not been reported in the literature in individuals affected with PAFAH1B1-related conditions. An algorithm developed to predict the effect of missense changes on protein structure and function (PolyPhen-2) suggests that this variant is likely to be disruptive. In summary, the available evidence is currently insufficient to determine the role of this variant in disease. Therefore, it has been classified as a Variant of Uncertain Significance.